The following is an entry in ClinVar:

ClinVar aggregate classification (germline): Uncertain significance (1 of 4 stars; one submission).

Conditions:
CACNB2-related disorder. Also called: CACNB2-related condition.

gnomAD v4.1: 16 of 1,601,574 alleles (0.001%); highest among the groups gnomAD compares: Middle Eastern, 0.018%; no homozygotes.

Submission:

PreventionGenetics, part of Exact Sciences
Classification: Uncertain significance for CACNB2-related condition. Last evaluated: 2026-09-15. Review status: criteria provided, single submitter. Criteria: ACMG Guidelines, 2015. Collection method: clinical testing. Allele origin: germline.
Comment: The CACNB2 c.110C>A variant is predicted to result in the amino acid substitution p.Ala37Asp. To our knowledge, this variant has not been reported in the literature. This variant is reported in 0.011% of alleles in individuals of African descent in gnomAD. At this time, the clinical significance of this variant is uncertain due to the absence of conclusive functional and genetic evidence.

NM_201596.3(CACNB2):c.110C>A (p.Ala37Asp)

Gene: CACNB2 (calcium voltage-gated channel auxiliary subunit beta 2; plus strand). Cytogenetic location: 10p12.33.
Variant type: single nucleotide variant.
Coding change: c.110C>A on transcript NM_201596.3 (MANE Select); coding-DNA position 110, C replaced by A.
Protein change: p.Ala37Asp; replaces alanine 37 with aspartic acid.
Molecular consequence: missense variant. On other transcripts: 5 prime UTR variant (3).
Genome position (GRCh38, 1-based): chr10:18,140,846, C>A. VCF-style: chr10-18140846-C-A. GRCh37 (hg19) VCF-style: chr10-18429775-C-A.
Other names: c.-334C>A (NM_001167945.2, NM_201571.4, NM_201572.4); c.110C>A, p.Ala37Asp (NM_201593.3, NM_201597.3); short protein forms A37D.
Identifiers: ClinVar variation 4985520 (VCV004985520.1).